The following is an entry in ClinVar:

NM_033163.5(FGF8):c.137C>T (p.Pro46Leu)

Gene: FGF8 (fibroblast growth factor 8; minus strand). Cytogenetic location: 10q24.32.
Variant type: single nucleotide variant.
Coding change: c.137C>T on transcript NM_033163.5 (MANE Select); coding-DNA position 137, C replaced by T.
Protein change: p.Pro46Leu; replaces proline 46 with leucine.
Molecular consequence: missense variant. On other transcripts: intron variant (3).
Genome position (GRCh38, 1-based): chr10:101,775,149, G>A on the plus strand (C>T on the coding strand, the complement: FGF8 is on the minus strand). VCF-style: chr10-101775149-G-A. GRCh37 (hg19) VCF-style: chr10-103534906-G-A.
Other names: c.137C>T, p.Pro46Leu (NM_033164.4); c.-123-270C>T (NM_001206389.2); c.70-270C>T (NM_033165.5); c.70-237C>T (NM_006119.6); short protein forms P46L.
Identifiers: ClinVar variation 1507714 (VCV001507714.6), dbSNP rs2135000513, ClinGen allele CA377837977.

ClinVar aggregate classification (germline): Uncertain significance (1 of 4 stars; one submission).

Submission:

Labcorp Genetics (formerly Invitae), Labcorp
Classification: Uncertain significance. Last evaluated: 2021-12-14. Review status: criteria provided, single submitter. Criteria: Invitae Variant Classification Sherloc (09022015). Collection method: clinical testing. Allele origin: germline.
Comment: In summary, the available evidence is currently insufficient to determine the role of this variant in disease. Therefore, it has been classified as a Variant of Uncertain Significance. Algorithms developed to predict the effect of missense changes on protein structure and function (SIFT, PolyPhen-2, Align-GVGD) all suggest that this variant is likely to be tolerated. This variant has not been reported in the literature in individuals affected with FGF8-related conditions. This variant is not present in population databases (gnomAD no frequency). This sequence change replaces proline, which is neutral and non-polar, with leucine, which is neutral and non-polar, at codon 46 of the FGF8 protein (p.Pro46Leu).